The following is an entry in ClinVar:

ClinVar aggregate classification (germline): Uncertain significance. Review status: criteria provided, multiple submitters, no conflicts (2 of 4 stars). 3 submissions from 3 submitters: Uncertain significance (2). 1 of the submissions does not count toward it. Last evaluated 2024-05-06.

Conditions:
Hereditary pulmonary alveolar proteinosis. Also called: Pulmonary surfactant metabolism dysfunction. Identifiers: Orphanet 264675, MedGen C3711368, MONDO:0012580.
Chromosome 22q11.2 deletion syndrome, distal. Identifiers: Orphanet 261330, MedGen C2678480, MONDO:0012740, OMIM 611867.

Allele frequency attached by ClinVar (database versions not stated): gnomAD 0.00001 and 0.00002; TOPMed 0.00001; gnomAD exomes 0.00003; ExAC 0.00004; 1000 Genomes Project 30x 0.00031; 1000 Genomes Project 0.00040.
gnomAD v4.1: 39 of 1,610,874 alleles (0.0024%); highest among the groups gnomAD compares: South Asian, 0.0077%; no homozygotes.

Submissions (3):

Labcorp Genetics (formerly Invitae), Labcorp
Classification: Uncertain significance. Last evaluated: 2024-05-06. Review status: criteria provided, single submitter. Criteria: Invitae Variant Classification Sherloc (09022015). Collection method: clinical testing. Allele origin: germline.
Comment: This sequence change replaces alanine, which is neutral and non-polar, with valine, which is neutral and non-polar, at codon 1623 of the ABCA3 protein (p.Ala1623Val). This variant is present in population databases (rs577998828, gnomAD 0.01%). This variant has not been reported in the literature in individuals affected with ABCA3-related conditions. ClinVar contains an entry for this variant (Variation ID: 1339957). Advanced modeling of protein sequence and biophysical properties (such as structural, functional, and spatial information, amino acid conservation, physicochemical variation, residue mobility, and thermodynamic stability) performed at Invitae indicates that this missense variant is not expected to disrupt ABCA3 protein function with a negative predictive value of 80%. In summary, the available evidence is currently insufficient to determine the role of this variant in disease. Therefore, it has been classified as a Variant of Uncertain Significance.

Ambry Genetics
Classification: Uncertain significance for Hereditary pulmonary alveolar proteinosis. Last evaluated: 2016-10-19. Review status: criteria provided, single submitter. Criteria: Ambry Variant Classification Scheme 2023. Collection method: clinical testing. Allele origin: germline.
Comment: The p.A1623V variant (also known as c.4868C>T), located in coding exon 28 of the ABCA3 gene, results from a C to T substitution at nucleotide position 4868. The alanine at codon 1623 is replaced by valine, an amino acid with similar properties. This variant was not reported in population based cohorts in the following databases: Database of Single Nucleotide Polymorphisms (dbSNP), NHLBI Exome Sequencing Project (ESP), and 1000 Genomes Project. In the ESP, this variant was not observed in 6498 samples (12996 alleles) with coverage at this position. This amino acid position is not well conserved in available vertebrate species. In addition, this alteration is predicted to be tolerated by in silico analysis. Since supporting evidence is limited at this time, the clinical significance of this alteration remains unclear.

Seattle Children's Hospital Molecular Genetics Laboratory, Seattle Children's Hospital
Classification: Uncertain significance for Chromosome 22q11.2 deletion syndrome, distal. Review status: no assertion criteria provided. Collection method: clinical testing. Allele origin: germline. Affected: yes. Not counted in ClinVar's aggregate classification.

NM_001089.3(ABCA3):c.4868C>T (p.Ala1623Val)

Gene: ABCA3 (ATP binding cassette subfamily A member 3; minus strand). Cytogenetic location: 16p13.3.
Variant type: single nucleotide variant.
Coding change: c.4868C>T on transcript NM_001089.3 (MANE Select); coding-DNA position 4868, C replaced by T.
Protein change: p.Ala1623Val; replaces alanine 1623 with valine.
Molecular consequence: missense variant.
Genome position (GRCh38, 1-based): chr16:2,277,920, G>A on the plus strand (C>T on the coding strand, the complement: ABCA3 is on the minus strand). VCF-style: chr16-2277920-G-A. GRCh37 (hg19) VCF-style: chr16-2327921-G-A.
Other names: short protein forms A1623V.
Identifiers: ClinVar variation 1339957 (VCV001339957.7), dbSNP rs577998828, ClinGen allele CA7839999.